The following is an entry in ClinVar:

ClinVar aggregate classification (germline): Benign. Review status: criteria provided, multiple submitters, no conflicts (2 of 4 stars). 2 submissions from 2 submitters: Benign (2). Last evaluated 2016-03-29.

Allele frequency attached by ClinVar (database versions not stated): gnomAD 0.31626 and 0.32470; TOPMed 0.32674; ESP Exome Variant Server 0.33884; gnomAD exomes 0.22114 and 0.23378; ExAC 0.24637; 1000 Genomes Project 0.30032; 1000 Genomes Project 30x 0.30684.
gnomAD v4.1: 340,025 of 1,467,864 alleles (23%); highest among the groups gnomAD compares: African/African-American, 57%; 45,687 homozygotes.

Submissions (2):

Laboratory for Molecular Medicine, Mass General Brigham Personalized Medicine
Classification: Benign. Last evaluated: 2016-03-29. Review status: criteria provided, single submitter. Criteria: LMM Criteria. Collection method: clinical testing. Allele origin: germline.
Comment: Variant identified in a genome or exome case(s) and assessed due to predicted null impact of the variant or pathogenic assertions in the literature or databases. Disclaimer: This variant has not undergone full assessment. The following are preliminary notes: Frequency

Breakthrough Genomics
Classification: Benign. Review status: criteria provided, single submitter. Criteria: ACMG Guidelines, 2015. Collection method: not provided. Allele origin: germline. Inheritance: Unknown mechanism. Affected: yes.

NM_080387.5(CLEC4D):c.94A>G (p.Ser32Gly)

Gene: CLEC4D (C-type lectin domain family 4 member D; plus strand). Cytogenetic location: 12p13.31.
Variant type: single nucleotide variant.
Coding change: c.94A>G on transcript NM_080387.5 (MANE Select); coding-DNA position 94, A replaced by G.
Protein change: p.Ser32Gly; replaces serine 32 with glycine.
Molecular consequence: missense variant.
Genome position (GRCh38, 1-based): chr12:8,515,301, A>G. VCF-style: chr12-8515301-A-G. GRCh37 (hg19) VCF-style: chr12-8667897-A-G.
Other names: short protein forms S32G.
Identifiers: ClinVar variation 402542 (VCV000402542.5), dbSNP rs4304840, ClinGen allele CA6433870.